The following is an entry in ClinVar:

NM_001099271.2(POC5):c.690+4T>C

Gene: POC5 (POC5 centriolar protein; minus strand). Cytogenetic location: 5q13.3.
Variant type: single nucleotide variant.
Coding change: c.690+4T>C on transcript NM_001099271.2 (MANE Select); 4 bases into the intron after coding-DNA position 690, T replaced by C.
Molecular consequence: intron variant.
Genome position (GRCh38, 1-based): chr5:75,694,651, A>G on the plus strand (T>C on the coding strand, the complement: POC5 is on the minus strand). VCF-style: chr5-75694651-A-G. GRCh37 (hg19) VCF-style: chr5-74990476-A-G.
Other names: c.615+4T>C (NM_152408.3).
Identifiers: ClinVar variation 2149527 (VCV002149527.4), dbSNP rs769127199, ClinGen allele CA3310519.

ClinVar aggregate classification (germline): Uncertain significance (1 of 4 stars; one submission).

Allele frequency attached by ClinVar (database versions not stated): gnomAD exomes below 0.00001; TOPMed 0.00002; gnomAD 0.00004.
gnomAD v4.1: 9 of 1,495,424 alleles (0.0006%); highest among the groups gnomAD compares: African/African-American, 0.01%; no homozygotes.

Submission:

Labcorp Genetics (formerly Invitae), Labcorp
Classification: Uncertain significance. Last evaluated: 2025-08-15. Review status: criteria provided, single submitter. Criteria: Invitae Variant Classification Sherloc (09022015). Collection method: clinical testing. Allele origin: germline.
Comment: This sequence change falls in intron 6 of the POC5 gene. It does not directly change the encoded amino acid sequence of the POC5 protein. It affects a nucleotide within the consensus splice site. This variant is present in population databases (rs769127199, gnomAD 0.005%). This variant has not been reported in the literature in individuals affected with POC5-related conditions. ClinVar contains an entry for this variant (Variation ID: 2149527). Variants that disrupt the consensus splice site are a relatively common cause of aberrant splicing (PMID: 17576681, 9536098). Algorithms developed to predict the effect of sequence changes on RNA splicing suggest that this variant is not likely to affect RNA splicing. In summary, the available evidence is currently insufficient to determine the role of this variant in disease. Therefore, it has been classified as a Variant of Uncertain Significance.

Literature cited by the submitters: PubMed 17576681; PubMed 9536098.